The following is an entry in ClinVar:

NM_001615.4(ACTG2):c.1046C>T (p.Ser349Phe)

Gene: ACTG2 (actin gamma 2, smooth muscle; plus strand). Cytogenetic location: 2p13.1.
Variant type: single nucleotide variant.
Coding change: c.1046C>T on transcript NM_001615.4 (MANE Select); coding-DNA position 1046, C replaced by T.
Protein change: p.Ser349Phe; replaces serine 349 with phenylalanine.
Molecular consequence: missense variant.
Genome position (GRCh38, 1-based): chr2:73,919,490, C>T. VCF-style: chr2-73919490-C-T. GRCh37 (hg19) VCF-style: chr2-74146617-C-T.
Other names: c.917C>T, p.Ser306Phe (NM_001199893.2); short protein forms S306F, S349F.
Identifiers: ClinVar variation 5019329 (VCV005019329.2).

ClinVar aggregate classification (germline): Uncertain significance (1 of 4 stars; one submission).

Conditions:
Visceral myopathy 1 (VSCM1). Also called: Visceral myopathy; Infantile visceral myopathy; ACTG2 Visceral Myopathy. Identifiers: Orphanet 2604, MedGen C5542197, MONDO:0020754, OMIM 155310.
Megacystis-microcolon-intestinal hypoperistalsis syndrome 5. Identifiers: MedGen C5543636, MONDO:0030329, OMIM 619431.

gnomAD v4.1: 1 of 1,614,174 alleles (0.000062%); highest among the groups gnomAD compares: Non-Finnish European, 0.000085%; no homozygotes.

Submission:

Juno Genomics, Hangzhou Juno Genomics, Inc
Classification: Uncertain significance for Visceral myopathy 1; Megacystis-microcolon-intestinal hypoperistalsis syndrome 5. Review status: criteria provided, single submitter. Criteria: ACMG Guidelines, 2015. Collection method: clinical testing. Allele origin: germline.
Comment: Absent from controls (or at extremely low frequency if recessive) in Genome Aggregation Database.;Multiple lines of computational evidence support a deleterious effect on the gene or gene product.;Missense variant in a gene that has a low rate of benign missense variation.